The following is an entry in ClinVar:

ClinVar aggregate classification (germline): Pathogenic (1 of 4 stars; one submission).

Submission:

Labcorp Genetics (formerly Invitae), Labcorp
Classification: Pathogenic. Last evaluated: 2024-04-22. Review status: criteria provided, single submitter. Criteria: Invitae Variant Classification Sherloc (09022015). Collection method: clinical testing. Allele origin: germline.
Comment: This sequence change creates a premature translational stop signal (p.Gln1590*) in the DMXL2 gene. It is expected to result in an absent or disrupted protein product. Loss-of-function variants in DMXL2 are known to be pathogenic (PMID: 30237576, 31688942). This variant is not present in population databases (gnomAD no frequency). This variant has not been reported in the literature in individuals affected with DMXL2-related conditions. For these reasons, this variant has been classified as Pathogenic.

Literature cited by the submitters: PubMed 30237576; PubMed 31688942.

NM_001378457.1(DMXL2):c.4768C>T (p.Gln1590Ter)

Gene: DMXL2 (Dmx like 2; minus strand). Cytogenetic location: 15q21.2.
Variant type: single nucleotide variant.
Coding change: c.4768C>T on transcript NM_001378457.1 (MANE Select); coding-DNA position 4768, C replaced by T.
Protein change: p.Gln1590Ter; replaces glutamine 1590 with a stop codon.
Molecular consequence: nonsense. On other transcripts: non-coding transcript variant (2), intron variant (1).
Genome position (GRCh38, 1-based): chr15:51,495,039, G>A on the plus strand (C>T on the coding strand, the complement: DMXL2 is on the minus strand). VCF-style: chr15-51495039-G-A. GRCh37 (hg19) VCF-style: chr15-51787236-G-A.
Other names: c.4768C>T, p.Gln1590Ter (NM_001174116.3, NM_001378458.1, NM_001378459.1 and 4 more transcripts); c.2860C>T, p.Gln954Ter (NM_001174117.3); c.4528C>T, p.Gln1510Ter (NM_001378464.1); c.2765-3292C>T (NM_001378460.1); short protein forms Q954*, Q1590*, Q1510*.
Identifiers: ClinVar variation 3650540 (VCV003650540.2).